The following is an entry in ClinVar:

ClinVar aggregate classification (germline): Conflicting classifications of pathogenicity. Review status: criteria provided, conflicting classifications (1 of 4 stars). 2 submissions from 2 submitters: Uncertain significance (1); Likely benign (1). Last evaluated 2020-02-24.

Conditions:
Cardiac arrhythmia. Also called: Arrhythmia; Cardiac rhythm disease. Identifiers: MedGen C0003811, MONDO:0007263, HP:0011675.
Long QT syndrome (LQTS). Identifiers: MedGen C0023976, MeSH D008133, MONDO:0002442. Disease mechanism: loss of function. Inheritance: Various modes of inheritance.

Allele frequency attached by ClinVar (database versions not stated): gnomAD exomes below 0.00001 and 0.00001.
gnomAD v4.1: 4 of 1,612,106 alleles (0.00025%); highest among the groups gnomAD compares: Non-Finnish European, 0.00025%; no homozygotes.

Submissions (2):

Color Diagnostics, LLC DBA Color Health
Classification: Likely benign for Arrhythmia. Last evaluated: 2020-02-24. Review status: criteria provided, single submitter. Criteria: ACMG Guidelines, 2015. Collection method: clinical testing. Allele origin: germline.

Labcorp Genetics (formerly Invitae), Labcorp
Classification: Uncertain significance for Long QT syndrome. Last evaluated: 2014-08-29. Review status: criteria provided, single submitter. Criteria: Invitae Variant Classification Sherloc (09022015). Collection method: clinical testing. Allele origin: germline.
Comment: There is no evidence to indicate that this sequence change is pathogenic. It is possible that this sequence change represents a benign polymorphism in the KCNH2 gene, although at this time the evidence is insufficient to prove that conclusively. This sequence change does not change the protein sequence and is not predicted to affect splicing, but this prediction has not been confirmed by published transcriptional studies. This sequence change is novel. It has not been reported as a common polymorphism (>1% frequency) in the general population, and has not been reported in case studies of affected individuals.

NM_000238.4(KCNH2):c.135C>T (p.Asn45=)

Gene: KCNH2 (potassium voltage-gated channel subfamily H member 2; minus strand). Cytogenetic location: 7q36.1.
Variant type: single nucleotide variant.
Coding change: c.135C>T on transcript NM_000238.4 (MANE Select); coding-DNA position 135, C replaced by T.
Protein change: p.Asn45=; no amino-acid change (asparagine 45 retained).
Molecular consequence: synonymous variant. On other transcripts: 5 prime UTR variant (1), non-coding transcript variant (1).
Genome position (GRCh38, 1-based): chr7:150,974,883, G>A on the plus strand (C>T on the coding strand, the complement: KCNH2 is on the minus strand). VCF-style: chr7-150974883-G-A. GRCh37 (hg19) VCF-style: chr7-150671971-G-A.
Other names: c.-43C>T (NM_001406755.1); c.135C>T, p.Asn45= (NM_172056.3).
Identifiers: ClinVar variation 920789 (VCV000920789.11), dbSNP rs1422251865, ClinGen allele CA458872441.